The following is an entry in ClinVar:

Conditions:
Breast-ovarian cancer, familial, susceptibility to, 1 (BROVCA1). Also called: BRCA1 Hereditary Breast and Ovarian Cancer; OVARIAN CANCER, SUSCEPTIBILITY TO. Identifiers: Orphanet 145, MedGen C2676676, MONDO:0011450, OMIM 604370. Disease mechanism: loss of function.

Submission:

Brotman Baty Institute, University of Washington
No classification provided (evidence only). Condition: Breast-ovarian cancer, familial 1. Review status: no classification provided. Collection method: in vitro. Allele origin: not applicable. Functional consequence: functionally_normal.
ClinVar note: "not provided" was previously submitted as the classification for the variant. However, the classification appeared to be based only on an observation of functional data so it was converted to no classification on 2025-07-30.

NM_007294.4(BRCA1):c.5158A>T (p.Thr1720Ser)

Gene: BRCA1 (BRCA1 DNA repair associated; minus strand). Cytogenetic location: 17q21.31.
Variant type: single nucleotide variant.
Coding change: c.5158A>T on transcript NM_007294.4 (MANE Select); coding-DNA position 5158, A replaced by T.
Protein change: p.Thr1720Ser; replaces threonine 1720 with serine.
Molecular consequence: missense variant. On other transcripts: non-coding transcript variant (1).
Genome position (GRCh38, 1-based): chr17:43,063,368, T>A on the plus strand (A>T on the coding strand, the complement: BRCA1 is on the minus strand). VCF-style: chr17-43063368-T-A. GRCh37 (hg19) VCF-style: chr17-41215385-T-A.
Other names: c.5152A>T, p.Thr1718Ser (NM_001407635.1, NM_001407636.1, NM_001407637.1 and 14 more transcripts); c.5098A>T, p.Thr1700Ser (NM_001407649.1); c.5080A>T, p.Thr1694Ser (NM_001407652.1, NM_001407653.1, NM_001407654.1 and 1 more transcripts); c.5077A>T, p.Thr1693Ser (NM_001407656.1, NM_001407657.1, NM_001407658.1); c.5074A>T, p.Thr1692Ser (NM_001407659.1, NM_001407660.1, NM_001407661.1 and 2 more transcripts); c.5032A>T, p.Thr1678Ser (NM_001407670.1, NM_001407671.1, NM_001407672.1 and 10 more transcripts); c.5029A>T, p.Thr1677Ser (NM_001407689.1, NM_001407681.1, NM_001407682.1 and 6 more transcripts); c.5026A>T, p.Thr1676Ser (NM_001407690.1, NM_001407691.1); and 72 more; short protein forms T1673S, T1741S, T616S, T1720S, T1424S, T1607S, T1677S, T1700S.
Identifiers: ClinVar variation 867752 (VCV000867752.3), dbSNP rs56195342, ClinGen allele CA10591227.